The following continues an entry in ClinVar:

NM_006245.4(PPP2R5D):c.592G>A (p.Glu198Lys)

ClinVar aggregate classification (germline): Pathogenic. Pathogenic (25).

Submissions 11 to 31 of 31:

Genetics Laboratory, UDIAT-Centre Diagnòstic, Hospital Universitari Parc Tauli
Classification: Pathogenic. Last evaluated: 2021-04-26. Review status: criteria provided, single submitter. Criteria: Parc Tauli Hospital Assertion Criteria 2021. Collection method: clinical testing. Allele origin: de novo. Inheritance: Autosomal dominant inheritance. Affected: yes. Observed: 1 heterozygote.
Comment: PP5_very strong;PM1_moderate;PM2_supporting;PM6_moderate;PP2_supporting;PP3_supporting

Center for Molecular Medicine, Children’s Hospital of Fudan University
Classification: Pathogenic for Houge-Janssens syndrome 1. Last evaluated: 2020-12-25. Review status: criteria provided, single submitter. Criteria: ACMG Guidelines, 2015. Collection method: clinical testing. Allele origin: de novo. Affected: yes.

Institute of Medical Genetics and Applied Genomics, University Hospital Tübingen
Classification: Pathogenic. Last evaluated: 2020-10-23. Review status: criteria provided, single submitter. Criteria: ACMG Guidelines, 2015. Collection method: clinical testing. Allele origin: germline. Inheritance: Unknown mechanism. Affected: yes.

Center for Statistical Genetics, Columbia University
Classification: Pathogenic for Intellectual disability. Last evaluated: 2020-10-16. Review status: criteria provided, single submitter. Criteria: ACMG Guidelines, 2015. Collection method: research. Allele origin: unknown. Affected: yes.

GeneDx
Classification: Pathogenic. Last evaluated: 2020-10-06. Review status: criteria provided, single submitter. Criteria: GeneDx Variant Classification Process June 2021. Collection method: clinical testing. Allele origin: germline. Affected: yes.
Comment: Published functional studies using HEK293 cells transfected with this variant demonstrate deficient holoenzyme formation (Houge et al., 2015); Not observed in large population cohorts (Lek et al., 2016); This variant is associated with the following publications: (PMID: 32074998, 28554332, 29595814, 26168268, 25533962, 26576547, 25972378, 29288388, 28628100, 28867141, 28135719, 29051493, 29346770, 29296277, 28191890, 31036916, 32156701, 31019026, 31981491, 33338668, 32959227, 33084218, 33098801)

Cytogénomique, Hospices Civils de Lyon
Classification: Pathogenic for Global developmental delay. Last evaluated: 2019-11-01. Review status: criteria provided, single submitter. Criteria: ACMG Guidelines, 2015. Collection method: clinical testing. Allele origin: de novo. Affected: yes.

Women's Health and Genetics/Laboratory Corporation of America, LabCorp
Classification: Pathogenic for Mental retardation, autosomal dominant 35. Last evaluated: 2018-10-30. Review status: criteria provided, single submitter. Criteria: LabCorp Variant Classification Summary - May 2015. Collection method: clinical testing. Allele origin: germline.
Comment: Variant summary: PPP2R5D c.592G>A (p.Glu198Lys) results in a conservative amino acid change (however with charge reversal) in a highly conserved acidic loop that faces and directly interacts with the catalytic subunit of PP2A; and a charge alteration in this acidic surface could potentially interrupt subunit interactions (Houge 2015). Four of five in-silico tools predict a damaging effect of the variant on protein function. The variant was absent in 246254 control chromosomes (gnomAD). The variant, c.592G>A, has been reported in the literature as a de novo mutation in multiple individuals affected with Mental retardation, autosomal dominant 35 (MRD35) (Houge 2015, Loveday 2015). These data indicate that the variant is very likely to be associated with disease. At least one of these publications also reported experimental evidence evaluating an impact on protein function, demonstrating loss of binding to the catalytic subunit, which leads to a defect in PP2A-B56delta-dependent dephosphorylation activity (Houge 2015). Five clinical diagnostic laboratories have submitted clinical-significance assessments for this variant to ClinVar after 2014 without evidence for independent evaluation. All laboratories classified the variant as pathogenic (4x) / likely pathogenic (1x). Based on the evidence outlined above, the variant was classified as pathogenic.

Cytogénomique, Hospices Civils de Lyon
Classification: Pathogenic for Houge-Janssens syndrome 1. Last evaluated: 2018-06-21. Review status: criteria provided, single submitter. Criteria: ACMG Guidelines, 2015. Collection method: clinical testing. Allele origin: de novo. Inheritance: Autosomal dominant inheritance. Affected: yes.

Rady Children's Institute for Genomic Medicine, Rady Children's Hospital San Diego
Classification: Pathogenic for MENTAL RETARDATION, AUTOSOMAL DOMINANT 35. Last evaluated: 2018-05-28. Review status: criteria provided, single submitter. Criteria: ACMG Guidelines, 2015. Collection method: clinical testing. Allele origin: germline. Affected: yes. Observed: 1 variant allele.
Comment: This variant has been previously reported in the Human Gene Mutation Database (HGMD) and has been described as a recurrent de novo heterozygous change in patients with macrocephaly, developmental delay, hypotonia, and EEG abnormalities (PMID: 26168268, 28554332, 28628100, 25972378, 29296277). The c.592G>A (p.Glu198Lys) variant affects a highly conserved amino acid and is predicted by multiple in silico tools to have a deleterious effect on protein function. Functional analysis of cells expressing the p.Glu298Lys variant showed deficient PP2A holoenzyme formation (PMID: 26168268). This change is absent from the ExAC and gnomAD population databases and thus is presumed to be rare. Analysis of the parental samples was negative for the variant, indicating this variant likely occurred as a de novo event. Based on the available evidence, the c.592G>A (p.Glu198Lys) variant is classified as Pathogenic.

Institute of Human Genetics Munich, TUM University Hospital
Classification: Pathogenic for Houge-Janssens syndrome 1. Last evaluated: 2018-01-16. Review status: criteria provided, single submitter. Criteria: Classification criteria August 2017. Collection method: clinical testing. Allele origin: de novo. Inheritance: Autosomal dominant inheritance. Affected: yes. Observed: 3 heterozygotes.

HudsonAlpha Institute for Biotechnology
Classification: Pathogenic for Houge-Janssens syndrome 1. Last evaluated: 2016-02-11. Review status: criteria provided, single submitter. Criteria: HA_assertions_20161101. Collection method: research. Allele origin: de novo. Affected: yes. Study: CSER-HudsonAlpha.

Equipe Genetique des Anomalies du Developpement, Université de Bourgogne
Classification: Pathogenic for Houge-Janssens syndrome 1. Last evaluated: 2015-01-01. Review status: criteria provided, single submitter. Criteria: ACMG Guidelines, 2007. Collection method: clinical testing. Allele origin: de novo. Affected: yes.

ARUP Laboratories, Molecular Genetics and Genomics, ARUP Laboratories
Classification: Pathogenic for Houge-Janssens syndrome 1. Review status: criteria provided, single submitter. Criteria: ARUP Molecular Germline Variant Investigation Process 2024. Collection method: clinical testing. Allele origin: germline.
Comment: The PPP2R5D c.592G>A; p.Glu198Lys variant (ClinVar Variation ID: 190286) typically occurs de novo, and is the most common variant in individuals affected with PPP2R5D-related neurodevelopmental disorders (Houge 2015, Madaan 2022, Loveday 2015, Oyama 2024). This variant is absent from the Genome Aggregation Database (v2.1.1), indicating it is not a common polymorphism. Computational analyses are uncertain whether this variant is neutral or deleterious (REVEL: 0.571). Functional assays demonstrate disrupted binding of the catalytic subunit which leads to a defect in dephosphorylation activity (Houge 2015). Based on available information, this variant is considered to be pathogenic. References: Houge G et al. B56delta-related protein phosphatase 2A dysfunction identified in patients with intellectual disability. J Clin Invest. 2015 Aug 3;125(8):3051-62. PMID: 26168268. Madaan P et al. PPP2R5D-Related Neurodevelopmental Disorder or Developmental and Epileptic Encephalopathy?: A Novel Phenotypic Description and Review of Published Cases. Neuropediatrics. 2022 Feb;53(1):20-25. PMID: 34448180. Loveday C et al. Mutations in the PP2A regulatory subunit B family genes PPP2R5B, PPP2R5C and PPP2R5D cause human overgrowth. Hum Mol Genet. 2015 Sep 1;24(17):4775-9. PMID: 25972378. Oyama N et al. Clinical, neuroimaging and molecular characteristics of PPP2R5D-related neurodevelopmental disorders: an expanded series with functional characterisation and genotype-phenotype analysis. J Med Genet. 2023 May;60(5):511-522. PMID: 36216457.

Centre de Biologie Pathologie Génétique, Centre Hospitalier Universitaire de Lille
Classification: Pathogenic for Neurodevelopmental delay. Review status: criteria provided, single submitter. Criteria: ACMG Guidelines, 2015. Collection method: clinical testing. Allele origin: unknown. Affected: yes.

Laboratoire de Génétique Moléculaire, CHU Bordeaux
Classification: Pathogenic. Review status: criteria provided, single submitter. Criteria: ACMG Guidelines, 2015. Collection method: clinical testing. Allele origin: germline. Affected: yes.

Pediatric Genetics Clinic, Sheba Medical Center
Classification: Pathogenic for Houge-Janssens syndrome 1. Last evaluated: 2021-05-13. Review status: no assertion criteria provided. Collection method: clinical testing. Allele origin: de novo. Affected: yes. Observed: 1 heterozygote. Not counted in ClinVar's aggregate classification.

OMIM
Classification: Pathogenic for HOUGE-JANSSENS SYNDROME 1. Last evaluated: 2015-08-03. Review status: no assertion criteria provided. Collection method: literature only. Allele origin: germline. Not counted in ClinVar's aggregate classification.

GeneReviews
No classification provided. Condition: Houge-Janssens syndrome 1. Review status: no classification provided. Collection method: literature only. Allele origin: de novo. Not counted in ClinVar's aggregate classification.

Genome Diagnostics Laboratory, University Medical Center Utrecht
Classification: Pathogenic. Review status: no assertion criteria provided. Collection method: clinical testing. Allele origin: germline. Affected: yes. Study: VKGL Data-share Consensus. Not counted in ClinVar's aggregate classification.

Genomics England Pilot Project, Genomics England
Classification: Likely pathogenic for Houge-Janssens syndrome 1. Review status: no assertion criteria provided. Criteria: ACGS Guidelines, 2016. Collection method: clinical testing. Allele origin: germline. Affected: yes. Not counted in ClinVar's aggregate classification.

Joint Genome Diagnostic Labs from Nijmegen and Maastricht, Radboudumc and MUMC+
Classification: Likely pathogenic. Review status: no assertion criteria provided. Collection method: clinical testing. Allele origin: germline. Affected: yes. Study: VKGL Data-share Consensus. Not counted in ClinVar's aggregate classification.

Literature cited by the submitters: PubMed 25533962 (cited by 3 submitters); PubMed 25972378 (cited by 3 submitters); PubMed 26168268 (cited by 6 submitters); PubMed 39201832 (cited by Ambry Genetics); PubMed 32074998 (cited by Victorian Clinical Genetics Services, Murdoch Childrens Research Institute); PubMed 28554332 (cited by New York Genome Center); PubMed 28191890 (cited by New York Genome Center); PubMed 29296277 (cited by New York Genome Center); PubMed 30615140 (cited by OMIM); NCBI Bookshelf NBK536360 (cited by GeneReviews); PubMed 30676711 (cited by GeneReviews).